The following is an entry in ClinVar:

NM_000170.3(GLDC):c.1665+1G>A

Gene: GLDC (glycine decarboxylase; minus strand). Cytogenetic location: 9p24.1.
Variant type: single nucleotide variant.
Coding change: c.1665+1G>A on transcript NM_000170.3 (MANE Select); the canonical splice donor site of the intron after coding-DNA position 1665, G replaced by A.
Molecular consequence: splice donor variant.
Genome position (GRCh38, 1-based): chr9:6,588,617, C>T on the plus strand (G>A on the coding strand, the complement: GLDC is on the minus strand). VCF-style: chr9-6588617-C-T. GRCh37 (hg19) VCF-style: chr9-6588617-C-T.
Identifiers: ClinVar variation 2735249 (VCV002735249.3), dbSNP rs267602258, ClinGen allele CA188663147.
Genomic context (GRCh38, chr9:6,588,617, plus strand): 5'-GGACCAAGAGACGTGGGATTGGGGTAGCTTGGAAATGAGAAAAAAGGCCACAAATAACTA[C>T]CAGTGGAATCATGCTGTGAACAAGGGAAATGTCTTTATTTTCCAGTTTCTTCATGTACCG-3'

ClinVar aggregate classification (germline): Pathogenic (1 of 4 stars; one submission).

Conditions:
Glycine encephalopathy. Also called: Nonketotic hyperglycinemia; Non-ketotic hyperglycinemia. Identifiers: Orphanet 407, MedGen C0751748, MONDO:0011612, HP:0008288.

Submission:

Labcorp Genetics (formerly Invitae), Labcorp
Classification: Pathogenic for Glycine encephalopathy. Last evaluated: 2023-09-19. Review status: criteria provided, single submitter. Criteria: Invitae Variant Classification Sherloc (09022015). Collection method: clinical testing. Allele origin: germline.
Comment: This sequence change affects a donor splice site in intron 13 of the GLDC gene. It is expected to disrupt RNA splicing. Variants that disrupt the donor or acceptor splice site typically lead to a loss of protein function (PMID: 16199547), and loss-of-function variants in GLDC are known to be pathogenic (PMID: 16601880). For these reasons, this variant has been classified as Pathogenic. Algorithms developed to predict the effect of sequence changes on RNA splicing suggest that this variant may disrupt the consensus splice site. Disruption of this splice site has been observed in individual(s) with non-ketotic hyperglycinemia (PMID: 27362913). This variant is not present in population databases (gnomAD no frequency).

Literature cited by the submitters: PubMed 16199547; PubMed 16601880; PubMed 27362913.